The following is an entry in ClinVar:

NM_016628.5(WAC):c.558_559delinsA (p.Asp186fs)

Gene: WAC (WW domain containing adaptor with coiled-coil; plus strand). Cytogenetic location: 10p12.1.
Variant type: Indel.
Coding change: c.558_559delinsA on transcript NM_016628.5 (MANE Select); coding-DNA positions 558 to 559, TT replaced by A.
Protein change: p.Asp186fs; shifts the reading frame from aspartic acid 186.
Molecular consequence: frameshift variant.
Genome position (GRCh38, 1-based): chr10:28,590,780-28,590,781, TT replaced by A. VCF-style: chr10-28590780-TT-A. GRCh37 (hg19) VCF-style: chr10-28879709-TT-A.
Other names: c.423_424delinsA, p.Asp141fs (NM_100264.3); c.558_559delinsA, p.Asp186fs (NM_100486.4); short protein forms D141fs, D186fs.
Identifiers: ClinVar variation 4527009 (VCV004527009.1).
Genomic context (GRCh38, chr10:28,590,780, plus strand): 5'-AGAACAGAGACAAAAAGAAGCAAACAAGATGGCAGTCAACAGCTTCCCAAAAGATAGGGA[TT>A]ACAGAAGAGAGGTGATGCAAGCAACAGCCACTAGTGGGTTTGCCAGTGGAAGTAAGTATT-3'

ClinVar aggregate classification (germline): Likely pathogenic (1 of 4 stars; one submission).

Submission:

GeneDx
Classification: Likely pathogenic. Last evaluated: 2025-04-25. Review status: criteria provided, single submitter. Criteria: GeneDx Variant Classification Process June 2021. Collection method: clinical testing. Allele origin: germline. Affected: yes.
Comment: Frameshift variant predicted to result in protein truncation or nonsense mediated decay in a gene for which loss of function is a known mechanism of disease; Not observed at significant frequency in large population cohorts (gnomAD); Has not been previously published as pathogenic or benign to our knowledge